The following is an entry in ClinVar:

NM_016151.4(TAOK2):c.2824C>A (p.Gln942Lys)

Gene: TAOK2 (TAO kinase 2; plus strand). Cytogenetic location: 16p11.2.
Variant type: single nucleotide variant.
Coding change: c.2824C>A on transcript NM_016151.4 (MANE Select); coding-DNA position 2824, C replaced by A.
Protein change: p.Gln942Lys; replaces glutamine 942 with lysine.
Molecular consequence: missense variant. On other transcripts: intron variant (1).
Genome position (GRCh38, 1-based): chr16:29,987,096, C>A. VCF-style: chr16-29987096-C-A. GRCh37 (hg19) VCF-style: chr16-29998417-C-A.
Other names: c.2485C>A, p.Gln829Lys (NM_001252043.2); c.2232+592C>A (NM_004783.4); short protein forms Q829K, Q942K.
Identifiers: ClinVar variation 1492669 (VCV001492669.6), dbSNP rs1446464907, ClinGen allele CA395496673.
Genomic context (GRCh38, chr16:29,987,096, plus strand): 5'-CCTTCCCCCGACATCCCTCCTGAACCCCCTCCAACACACCTGAGGCCCTGCCCTGCCAGC[C>A]AGCTCCCTGGACTCCTGTCCCATGGCCTCCTGGCCGGCCTCTCCTTTGCAGTGGGGTCCT-3'
Protein context (NP_057235.2, residues 932-952): PTHLRPCPAS[Gln942Lys]LPGLLSHGLL

ClinVar aggregate classification (germline): Uncertain significance (1 of 4 stars; one submission).

Allele frequency attached by ClinVar (database versions not stated): gnomAD exomes below 0.00001; TOPMed below 0.00001.

Submission:

Labcorp Genetics (formerly Invitae), Labcorp
Classification: Uncertain significance. Last evaluated: 2024-08-28. Review status: criteria provided, single submitter. Criteria: Invitae Variant Classification Sherloc (09022015). Collection method: clinical testing. Allele origin: germline.
Comment: This sequence change replaces glutamine, which is neutral and polar, with lysine, which is basic and polar, at codon 942 of the TAOK2 protein (p.Gln942Lys). This variant is present in population databases (no rsID available, gnomAD 0.003%). This variant has not been reported in the literature in individuals affected with TAOK2-related conditions. ClinVar contains an entry for this variant (Variation ID: 1492669). An algorithm developed to predict the effect of missense changes on protein structure and function (PolyPhen-2) suggests that this variant is likely to be disruptive. In summary, the available evidence is currently insufficient to determine the role of this variant in disease. Therefore, it has been classified as a Variant of Uncertain Significance.